The following is an entry in ClinVar:

NM_006767.4(LZTR1):c.484T>G (p.Trp162Gly)

Gene: LZTR1 (leucine zipper like post translational regulator 1; plus strand). Cytogenetic location: 22q11.21.
Variant type: single nucleotide variant.
Coding change: c.484T>G on transcript NM_006767.4 (MANE Select); coding-DNA position 484, T replaced by G.
Protein change: p.Trp162Gly; replaces tryptophan 162 with glycine.
Molecular consequence: missense variant.
Genome position (GRCh38, 1-based): chr22:20,988,093, T>G. VCF-style: chr22-20988093-T-G. GRCh37 (hg19) VCF-style: chr22-21342382-T-G.
Other names: short protein forms W162G.
Identifiers: ClinVar variation 3238298 (VCV003238298.1), dbSNP rs1278639893.

ClinVar aggregate classification (germline): Uncertain significance (1 of 4 stars; one submission).

Conditions:
Hereditary cancer-predisposing syndrome. Also called: Neoplastic Syndromes, Hereditary; Tumor predisposition; Hereditary neoplastic syndrome; Hereditary Cancer Syndrome. Identifiers: Orphanet 140162, MedGen C0027672, MeSH D009386, MONDO:0015356.
Cardiovascular phenotype. Identifiers: MedGen CN230736.

Submission:

Ambry Genetics
Classification: Uncertain significance for Cardiovascular phenotype; Hereditary cancer-predisposing syndrome. Last evaluated: 2023-04-19. Review status: criteria provided, single submitter. Criteria: Ambry Variant Classification Scheme 2023. Collection method: clinical testing. Allele origin: germline.
Comment: The p.W162G variant (also known as c.484T>G), located in coding exon 5 of the LZTR1 gene, results from a T to G substitution at nucleotide position 484. The tryptophan at codon 162 is replaced by glycine, an amino acid with highly dissimilar properties. This amino acid position is conserved. In addition, this alteration is predicted to be deleterious by in silico analysis. Since supporting evidence is limited at this time, the clinical significance of this alteration remains unclear.